The following is an entry in ClinVar:

NM_001365951.3(KIF1B):c.2396A>C (p.Tyr799Ser)

Gene: KIF1B (kinesin family member 1B; plus strand). Cytogenetic location: 1p36.22.
Variant type: single nucleotide variant.
Coding change: c.2396A>C on transcript NM_001365951.3 (MANE Select); coding-DNA position 2396, A replaced by C.
Protein change: p.Tyr799Ser; replaces tyrosine 799 with serine.
Molecular consequence: missense variant.
Genome position (GRCh38, 1-based): chr1:10,323,921, A>C. VCF-style: chr1-10323921-A-C. GRCh37 (hg19) VCF-style: chr1-10383979-A-C.
Other names: c.2396A>C, p.Tyr799Ser (NM_001365952.1); c.2258A>C, p.Tyr753Ser (NM_015074.3); short protein forms Y799S, Y753S.
Identifiers: ClinVar variation 1788542 (VCV001788542.3), dbSNP rs746691649, ClinGen allele CA581521.

ClinVar aggregate classification (germline): Uncertain significance (1 of 4 stars; one submission).

Allele frequency attached by ClinVar (database versions not stated): gnomAD exomes below 0.00001; ExAC 0.00001.
gnomAD v4.1: 1 of 1,613,962 alleles (0.000062%); highest among the groups gnomAD compares: Non-Finnish European, 0.000085%; no homozygotes.

Submission:

Ambry Genetics
Classification: Uncertain significance. Last evaluated: 2025-09-17. Review status: criteria provided, single submitter. Criteria: Ambry Variant Classification Scheme 2023. Collection method: clinical testing. Allele origin: germline.
Comment: The p.Y753S variant (also known as c.2258A>C), located in coding exon 22 of the KIF1B gene, results from an A to C substitution at nucleotide position 2258. The tyrosine at codon 753 is replaced by serine, an amino acid with dissimilar properties. This amino acid position is conserved. In addition, this alteration is predicted to be deleterious by in silico analysis. Since supporting evidence is limited at this time, the clinical significance of this alteration remains unclear.